The following is an entry in ClinVar:

ClinVar aggregate classification (germline): Conflicting classifications of pathogenicity. Review status: criteria provided, conflicting classifications (1 of 4 stars). 4 submissions from 4 submitters: Uncertain significance (3); Likely benign (1). Last evaluated 2026-05-28.

Conditions:
YARS1-related disorder. Also called: YARS1-related condition.
Charcot-Marie-Tooth disease dominant intermediate C (CMTDIC). Also called: CHARCOT-MARIE-TOOTH NEUROPATHY, DOMINANT INTERMEDIATE C. Identifiers: Orphanet 100045, MedGen C1842237, MONDO:0012012, OMIM 608323.
Inborn genetic diseases. Identifiers: MedGen C0950123, MeSH D030342.

Allele frequency attached by ClinVar (database versions not stated): gnomAD exomes 0.00001.
gnomAD v4.1: 8 of 1,614,086 alleles (0.0005%); highest among the groups gnomAD compares: Non-Finnish European, 0.00068%; no homozygotes.

Submissions (4):

Women's Health and Genetics/Laboratory Corporation of America, LabCorp
Classification: Uncertain significance. Last evaluated: 2026-05-28. Review status: criteria provided, single submitter. Criteria: LabCorp Variant Classification Summary - May 2015. Collection method: clinical testing. Allele origin: germline.
Comment: Variant summary: YARS1 c.1048A>G (p.Met350Val) results in a conservative amino acid change in the encoded protein sequence. Algorithms developed to predict the effect of missense changes on protein structure and function all suggest that this variant is likely to be tolerated. The variant allele was found at a frequency of 5e-06 in 1614086 control chromosomes. The available data on variant occurrences in the general population are insufficient to allow any conclusion about variant significance. To our knowledge, no occurrence of c.1048A>G in individuals affected with YARS1-related conditions and no experimental evidence demonstrating its impact on protein function have been reported. ClinVar contains an entry for this variant (Variation ID: 533466). Based on the evidence outlined above, the variant was classified as uncertain significance.

PreventionGenetics, part of Exact Sciences
Classification: Uncertain significance for YARS1-related condition. Last evaluated: 2026-03-09. Review status: criteria provided, single submitter. Criteria: ACMG Guidelines, 2015. Collection method: clinical testing. Allele origin: germline.
Comment: The YARS1 c.1048A>G variant is predicted to result in the amino acid substitution p.Met350Val. To our knowledge, this variant has not been reported in the literature or in a large population database (gnomAD), indicating this variant is rare. At this time, the clinical significance of this variant is uncertain due to the absence of conclusive functional and genetic evidence.

Ambry Genetics
Classification: Likely benign for Inborn genetic diseases. Last evaluated: 2025-08-20. Review status: criteria provided, single submitter. Criteria: Ambry Variant Classification Scheme 2023. Collection method: clinical testing. Allele origin: germline.

Labcorp Genetics (formerly Invitae), Labcorp
Classification: Uncertain significance for Charcot-Marie-Tooth disease dominant intermediate C. Last evaluated: 2021-09-01. Review status: criteria provided, single submitter. Criteria: Invitae Variant Classification Sherloc (09022015). Collection method: clinical testing. Allele origin: germline.

NM_003680.4(YARS1):c.1048A>G (p.Met350Val)

Gene: YARS1 (tyrosyl-tRNA synthetase 1; minus strand). Cytogenetic location: 1p35.1.
Variant type: single nucleotide variant.
Coding change: c.1048A>G on transcript NM_003680.4 (MANE Select); coding-DNA position 1048, A replaced by G.
Protein change: p.Met350Val; replaces methionine 350 with valine.
Molecular consequence: missense variant.
Genome position (GRCh38, 1-based): chr1:32,781,140, T>C on the plus strand (A>G on the coding strand, the complement: YARS1 is on the minus strand). VCF-style: chr1-32781140-T-C. GRCh37 (hg19) VCF-style: chr1-33246741-T-C.
Other names: short protein forms M350V.
Identifiers: ClinVar variation 533466 (VCV000533466.7), dbSNP rs1553122785, ClinGen allele CA339682997.